The following is an entry in ClinVar:

NM_001042681.2(RERE):c.1203+6C>T

Gene: RERE (arginine-glutamic acid dipeptide repeats; minus strand). Cytogenetic location: 1p36.23.
Variant type: single nucleotide variant.
Coding change: c.1203+6C>T on transcript NM_001042681.2 (MANE Select); 6 bases into the intron after coding-DNA position 1203, C replaced by T.
Molecular consequence: intron variant.
Genome position (GRCh38, 1-based): chr1:8,465,919, G>A on the plus strand (C>T on the coding strand, the complement: RERE is on the minus strand). VCF-style: chr1-8465919-G-A. GRCh37 (hg19) VCF-style: chr1-8525979-G-A.
Other names: c.1203+6C>T (NM_012102.4).
Identifiers: ClinVar variation 2244306 (VCV002244306.4), dbSNP rs372365265, ClinGen allele CA571844.

ClinVar aggregate classification (germline): Conflicting classifications of pathogenicity. Review status: criteria provided, conflicting classifications (1 of 4 stars). 3 submissions from 3 submitters: Uncertain significance (2); Likely benign (1). Last evaluated 2024-06-10.

Conditions:
Inborn genetic diseases. Identifiers: MedGen C0950123, MeSH D030342.

Allele frequency attached by ClinVar (database versions not stated): ExAC 0.00001; gnomAD 0.00001; gnomAD exomes 0.00001; TOPMed 0.00001; ESP Exome Variant Server 0.00008.
gnomAD v4.1: 14 of 1,613,310 alleles (0.00087%); highest among the groups gnomAD compares: South Asian, 0.0011%; no homozygotes.

Submissions (3):

Women's Health and Genetics/Laboratory Corporation of America, LabCorp
Classification: Uncertain significance. Last evaluated: 2024-06-10. Review status: criteria provided, single submitter. Criteria: LabCorp Variant Classification Summary - May 2015. Collection method: clinical testing. Allele origin: germline.
Comment: Variant summary: RERE c.1203+6C>T alters a non-conserved nucleotide located close to a canonical splice site and therefore could affect mRNA splicing, leading to a significantly altered protein sequence. Consensus agreement among computation tools predict no significant impact on normal splicing. However, these predictions have yet to be confirmed by functional studies. The variant allele was found at a frequency of 8e-06 in 251122 control chromosomes (gnomAD). The available data on variant occurrences in the general population are insufficient to allow any conclusion about variant significance. To our knowledge, no occurrence of c.1203+6C>T in individuals affected with Neurodevelopmental Disorder With Or Without Anomalies Of The Brain, Eye, Or Heart and no experimental evidence demonstrating its impact on protein function have been reported. ClinVar contains an entry for this variant (Variation ID: 2244306). Based on the evidence outlined above, the variant was classified as uncertain significance.

Ambry Genetics
Classification: Uncertain significance for Inborn genetic diseases. Last evaluated: 2022-07-21. Review status: criteria provided, single submitter. Criteria: Ambry Variant Classification Scheme 2023. Collection method: clinical testing. Allele origin: germline.
Comment: The c.1203+6C>T intronic alteration consists of a C to T substitution nucleotides after coding exon 10 in the RERE gene. Based on insufficient or conflicting evidence, the clinical significance of this alteration remains unclear.

Blueprint Genetics
Classification: Likely benign. Last evaluated: 2021-06-04. Review status: criteria provided, single submitter. Criteria: ACMG Guidelines, 2015. Collection method: clinical testing. Allele origin: germline.